The following is an entry in ClinVar:

NM_001166114.2(PNPLA6):c.3355G>A (p.Gly1119Arg)

Gene: PNPLA6 (patatin like domain 6, lysophospholipase; plus strand). Cytogenetic location: 19p13.2.
Variant type: single nucleotide variant.
Coding change: c.3355G>A on transcript NM_001166114.2 (MANE Select); coding-DNA position 3355, G replaced by A.
Protein change: p.Gly1119Arg; replaces glycine 1119 with arginine.
Molecular consequence: missense variant.
Genome position (GRCh38, 1-based): chr19:7,557,242, G>A. VCF-style: chr19-7557242-G-A. GRCh37 (hg19) VCF-style: chr19-7622128-G-A.
Other names: c.3385G>A, p.Gly1129Arg (NM_001166111.2); c.3160G>A, p.Gly1054Arg (NM_001166112.2); c.3241G>A, p.Gly1081Arg (NM_001166113.1, NM_006702.5); short protein forms G1081R, G1119R, G1129R, G1054R.
Identifiers: ClinVar variation 409993 (VCV000409993.16), dbSNP rs773955314, ClinGen allele CA9140435.

ClinVar aggregate classification (germline): Conflicting classifications of pathogenicity. Review status: criteria provided, conflicting classifications (1 of 4 stars). 6 submissions from 6 submitters: Pathogenic (2); Likely pathogenic (2); Uncertain significance (1). 1 of the submissions does not count toward it. Last evaluated 2023-04-08.

Conditions:
PNPLA6-related disorder. Also called: PNPLA6-related disorders; PNPLA6-related condition.
Ataxia-hypogonadism-choroidal dystrophy syndrome (BNHS). Also called: Boucher-Neuhäuser Syndrome (BNS); Chorioretinal dystrophy, spinocerebellar ataxia and hypogonadotropic hypogonadism. Identifiers: Orphanet 1180, MedGen C1859093, MONDO:0008980, OMIM 215470.
Trichomegaly-retina pigmentary degeneration-dwarfism syndrome (OMCS). Also called: OLIVER-MCFARLANE SYNDROME; Oliver-McFarlane Syndrome (OMCS); Eyelashes long mental retardation; Trichomegaly retina pigmentary degeneration dwarfism. Identifiers: Orphanet 3363, MedGen C1848745, MONDO:0010152, OMIM 275400.
Hereditary spastic paraplegia 39 (SPG39). Also called: Spastic Paraplegia Type 39 (SPG39); SPASTIC PARAPLEGIA 39, AUTOSOMAL RECESSIVE. Identifiers: Orphanet 139480, MedGen C2677586, MONDO:0012787, OMIM 612020.
Laurence-Moon syndrome (LNMS). Also called: PNPLA6-Related Laurence-Moon Syndrome (LMS). Identifiers: Orphanet 2377, MedGen C0023138, MONDO:0009514, OMIM 245800.

Allele frequency attached by ClinVar (database versions not stated): gnomAD 0.00002; TOPMed 0.00002; ExAC 0.00003; gnomAD exomes 0.00003.
gnomAD v4.1: 33 of 1,613,374 alleles (0.002%); highest among the groups gnomAD compares: Middle Eastern, 0.016%; 1 homozygote.

Submissions (6):

Department of Pathology and Laboratory Medicine, Sinai Health System
Classification: Uncertain significance for Ataxia-hypogonadism-choroidal dystrophy syndrome; Laurence-Moon syndrome; Trichomegaly-retina pigmentary degeneration-dwarfism syndrome; Hereditary spastic paraplegia 39. Last evaluated: 2023-04-08. Review status: criteria provided, single submitter. Criteria: ACMG Guidelines, 2015. Collection method: research. Allele origin: germline.

Labcorp Genetics (formerly Invitae), Labcorp
Classification: Pathogenic for Hereditary spastic paraplegia 39. Last evaluated: 2023-01-24. Review status: criteria provided, single submitter. Criteria: Invitae Variant Classification Sherloc (09022015). Collection method: clinical testing. Allele origin: germline.
Comment: For these reasons, this variant has been classified as Pathogenic. Experimental studies have shown that this missense change affects PNPLA6 function (PMID: 25480986). Advanced modeling of protein sequence and biophysical properties (such as structural, functional, and spatial information, amino acid conservation, physicochemical variation, residue mobility, and thermodynamic stability) performed at Invitae indicates that this missense variant is expected to disrupt PNPLA6 protein function. ClinVar contains an entry for this variant (Variation ID: 409993). This variant is also known as p.Gly1129Arg. This missense change has been observed in individuals with Oliver-McFarlane syndrome and/or Laurence-Moon syndrome (PMID: 25480986, 25574898). This variant is present in population databases (rs773955314, gnomAD 0.009%), including at least one homozygous and/or hemizygous individual. This sequence change replaces glycine, which is neutral and non-polar, with arginine, which is basic and polar, at codon 1081 of the PNPLA6 protein (p.Gly1081Arg).

Blueprint Genetics
Classification: Likely pathogenic for PNPLA6-related disorders. Last evaluated: 2021-09-24. Review status: criteria provided, single submitter. Criteria: ACMG Guidelines, 2015. Collection method: clinical testing. Allele origin: germline. Affected: yes. Observed: 1 variant allele.

Molecular Medicine for Neurodegenerative and Neuromuscular Diseases Unit, IRCCS Fondazione Stella Maris
Classification: Likely pathogenic for Ataxia-hypogonadism-choroidal dystrophy syndrome. Last evaluated: 2021-07-12. Review status: criteria provided, single submitter. Criteria: ACMG Guidelines, 2015. Collection method: research. Allele origin: inherited. Affected: yes.

Genetic Services Laboratory, University of Chicago
Classification: Pathogenic. Last evaluated: 2019-07-15. Review status: criteria provided, single submitter. Criteria: ACMG Guidelines, 2015. Collection method: clinical testing. Allele origin: germline. Affected: yes.
Comment: DNA sequence analysis of the PNPLA6 gene demonstrated a sequence change, c.3241G>A, in exon 30 that results in an amino acid change, p.Gly1081Arg. This sequence change (described in the literature as c.3385G>A, p.Gly1129Arg) has been reported with a second pathogenic variant in patients clinically diagnosed with Oliver-McFarlane syndrome with features of Laurence-Moon syndrome (PMID: 25480986). A different nucleotide substitution resulting in the same amino acid change (c.3241G>C; described in the literature as c.3385G>C) has also been identified in patients with Oliver McFarlane syndrome (PMID: 25574898). The c.3241G>A sequence change has been described in the gnomAD database with a low population frequency of 0.0087% in the Latino sub-population (dbSNP rs773955314). The p.Gly1081Arg change affects a highly conserved amino acid residue located in a domain of the PNPLA6 protein that is known to be functional. The p.Gly1081Arg substitution appears to be deleterious using several in-silico pathogenicity prediction tools (SIFT, PolyPhen2, Align GVGD, REVEL).

OMIM
Classification: Pathogenic for OLIVER-MCFARLANE SYNDROME. Last evaluated: 2015-02-01. Review status: no assertion criteria provided. Collection method: literature only. Allele origin: germline. Not counted in ClinVar's aggregate classification.

Literature cited by the submitters: PubMed 25480986 (cited by Labcorp Genetics (formerly Invitae), Labcorp and OMIM); PubMed 25574898 (cited by Labcorp Genetics (formerly Invitae), Labcorp).